The following is an entry in ClinVar:

NC_000005.10:g.112707485C>T

Genes: APC (APC regulator of Wnt signaling pathway; plus strand), LOC129994371 (ATAC-STARR-seq lymphoblastoid active region 22910; plus strand). Cytogenetic location: 5q22.2.
Variant type: single nucleotide variant.
Genome position: GRCh38 VCF-style: chr5-112707485-C-T. GRCh37 (hg19) VCF-style: chr5-112043182-C-T.
Identifiers: ClinVar variation 469864 (VCV000469864.7), dbSNP rs1333841760, ClinGen allele CA658655880.

ClinVar aggregate classification (germline): Uncertain significance (1 of 4 stars; one submission).

Conditions:
Familial adenomatous polyposis 1 (FAP1). Also called: FAMILIAL ADENOMATOUS POLYPOSIS 1, ATTENUATED; POLYPOSIS, ADENOMATOUS INTESTINAL. Identifiers: MedGen C2713442, MONDO:0021056, OMIM 175100. Disease mechanism: loss of function.

Allele frequency attached by ClinVar (database versions not stated): gnomAD exomes 0.00001.

Submission:

Labcorp Genetics (formerly Invitae), Labcorp
Classification: Uncertain significance for Familial adenomatous polyposis 1. Last evaluated: 2026-01-09. Review status: criteria provided, single submitter. Criteria: Invitae Variant Classification Sherloc (09022015). Collection method: clinical testing. Allele origin: germline.
Comment: This variant occurs in a non-coding region of the APC gene. It does not change the encoded amino acid sequence of the APC protein. This variant is not present in population databases (gnomAD no frequency). This variant has not been reported in the literature in individuals affected with APC-related conditions. ClinVar contains an entry for this variant (Variation ID: 469864). Experimental studies and prediction algorithms are not available or were not evaluated, and the functional significance of this variant is currently unknown. In summary, the available evidence is currently insufficient to determine the role of this variant in disease. Therefore, it has been classified as a Variant of Uncertain Significance.